The following is an entry in ClinVar:

NM_001170629.2(CHD8):c.3724C>T (p.Arg1242Ter)

Gene: CHD8 (chromodomain helicase DNA binding protein 8; minus strand). Cytogenetic location: 14q11.2.
Variant type: single nucleotide variant.
Coding change: c.3724C>T on transcript NM_001170629.2 (MANE Select); coding-DNA position 3724, C replaced by T.
Protein change: p.Arg1242Ter; replaces arginine 1242 with a stop codon.
Molecular consequence: nonsense.
Genome position (GRCh38, 1-based): chr14:21,402,494, G>A on the plus strand (C>T on the coding strand, the complement: CHD8 is on the minus strand). VCF-style: chr14-21402494-G-A. GRCh37 (hg19) VCF-style: chr14-21870653-G-A.
Other names: c.2887C>T, p.Arg963Ter (NM_020920.4); c.3724C>T (NM_001170629.1); short protein forms R963*, R1242*.
Identifiers: ClinVar variation 437423 (VCV000437423.15), dbSNP rs1555314788, ClinGen allele CA388899217.

ClinVar aggregate classification (germline): Pathogenic. Review status: criteria provided, multiple submitters, no conflicts (2 of 4 stars). 4 submissions from 4 submitters: Pathogenic (4). Last evaluated 2024-07-13.

Conditions:
Neurodevelopmental disorder. Identifiers: MedGen C1535926, MeSH D065886, MONDO:0700092.
Intellectual developmental disorder with autism and macrocephaly. Also called: Autism, susceptibility to, 18; CHD8-Related Neurodevelopmental Disorder with Overgrowth. Identifiers: Orphanet 642675, MedGen C3554373, MONDO:0014017, OMIM 615032.

Submissions (4):

GeneDx
Classification: Pathogenic. Last evaluated: 2024-07-13. Review status: criteria provided, single submitter. Criteria: GeneDx Variant Classification Process June 2021. Collection method: clinical testing. Allele origin: germline. Affected: yes.
Comment: Nonsense variant predicted to result in protein truncation or nonsense mediated decay in a gene for which loss of function is a known mechanism of disease; Not observed at significant frequency in large population cohorts (gnomAD); This variant is associated with the following publications: (PMID: 35982159, 33057194, 36182950, 31721432, 31001818)

Laboratory of Molecular Genetics (Pr. Bezieau's lab), CHU de Nantes
Classification: Pathogenic for Neurodevelopmental disorder. Last evaluated: 2023-03-13. Review status: criteria provided, single submitter. Criteria: ACMG Guidelines, 2015. Collection method: clinical testing. Allele origin: germline. Affected: yes.

Labcorp Genetics (formerly Invitae), Labcorp
Classification: Pathogenic. Last evaluated: 2020-07-20. Review status: criteria provided, single submitter. Criteria: Invitae Variant Classification Sherloc (09022015). Collection method: clinical testing. Allele origin: germline.
Comment: This sequence change creates a premature translational stop signal (p.Arg1242*) in the CHD8 gene. It is expected to result in an absent or disrupted protein product. This variant is not present in population databases (ExAC no frequency). This variant has been observed in individual(s) with CHD8-related overgrowth syndrome (PMID: 31001818). In at least one individual the variant was observed to be de novo. ClinVar contains an entry for this variant (Variation ID: 437423). Loss-of-function variants in CHD8 are known to be pathogenic (PMID: 24998929, 26789910). For these reasons, this variant has been classified as Pathogenic.

Center of Genomic medicine, Geneva, University Hospital of Geneva
Classification: Pathogenic for Intellectual developmental disorder with autism and macrocephaly. Last evaluated: 2016-09-14. Review status: criteria provided, single submitter. Criteria: ACMG Guidelines, 2015. Collection method: clinical testing. Allele origin: de novo. Affected: yes.

Literature cited by the submitters: PubMed 31001818 (cited by Labcorp Genetics (formerly Invitae), Labcorp); PubMed 24998929 (cited by Labcorp Genetics (formerly Invitae), Labcorp); PubMed 26789910 (cited by Labcorp Genetics (formerly Invitae), Labcorp).